The following is an entry in ClinVar:

NM_006767.4(LZTR1):c.1317_1323dup (p.Phe442fs)

Gene: LZTR1 (leucine zipper like post translational regulator 1; plus strand). Cytogenetic location: 22q11.21.
Variant type: Duplication.
Coding change: c.1317_1323dup on transcript NM_006767.4 (MANE Select); coding-DNA positions 1317 to 1323, 7 bases duplicated (CCGCCAG; older notation c.1317_1323dupCCGCCAG).
Protein change: p.Phe442fs; shifts the reading frame from phenylalanine 442.
Molecular consequence: frameshift variant.
Genome position (GRCh38, 1-based): chr22:20,993,718-20,993,724, CCGCCAG duplicated; duplicating any 7 consecutive bases within chr22:20,993,716-20,993,724 gives the same sequence; the c. name uses the placement nearest the transcript's 3' end. VCF-style (leftmost placement, unchanged base first): chr22-20993715-G-GAGCCGCC. GRCh37 (hg19) VCF-style: chr22-21348004-G-GAGCCGCC.
Other names: c.1317_1323dupCCGCCAG (NM_006767.3); short protein forms F442fs.
Identifiers: ClinVar variation 430253 (VCV000430253.6), dbSNP rs1131691862, ClinGen allele CA645369794.
Genomic context (GRCh38, chr22:20,993,715, plus strand): 5'-CTTGCAGTTCTCCTGTTACCCTAAATGCACGCTGCACGAGGACTACGGGCGGCTGTGGGA[G>GAGCCGCC]AGCCGCCAGTTCTGCGACGTGGAGTTCGTGCTGGGTGAGGTGGGTGCCTGTCCTCGCACC-3'

ClinVar aggregate classification (germline): Pathogenic/Likely pathogenic. Review status: criteria provided, multiple submitters, no conflicts (2 of 4 stars). 3 submissions from 3 submitters: Pathogenic (2); Likely pathogenic (1). Last evaluated 2025-05-13.

Conditions:
Hereditary cancer-predisposing syndrome. Also called: Hereditary Cancer Syndrome; Hereditary neoplastic syndrome; Neoplastic Syndromes, Hereditary; Tumor predisposition. Identifiers: Orphanet 140162, MedGen C0027672, MeSH D009386, MONDO:0015356.
Cardiovascular phenotype. Identifiers: MedGen CN230736.

Submissions (3):

Labcorp Genetics (formerly Invitae), Labcorp
Classification: Pathogenic. Last evaluated: 2025-05-13. Review status: criteria provided, single submitter. Criteria: Invitae Variant Classification Sherloc (09022015). Collection method: clinical testing. Allele origin: germline.
Comment: This sequence change creates a premature translational stop signal (p.Phe442Profs*12) in the LZTR1 gene. It is expected to result in an absent or disrupted protein product. Loss-of-function variants in LZTR1 are known to be pathogenic (PMID: 24362817, 25335493, 25480913, 25795793, 29469822, 30368668, 30442762, 30442766, 30481304, 30859559). This variant is not present in population databases (gnomAD no frequency). This variant has not been reported in the literature in individuals affected with LZTR1-related conditions. ClinVar contains an entry for this variant (Variation ID: 430253). For these reasons, this variant has been classified as Pathogenic.

Ambry Genetics
Classification: Pathogenic for Cardiovascular phenotype; Hereditary cancer-predisposing syndrome. Last evaluated: 2024-12-30. Review status: criteria provided, single submitter. Criteria: Ambry Variant Classification Scheme 2023. Collection method: clinical testing. Allele origin: germline.
Comment: The c.1317_1323dupCCGCCAG pathogenic mutation, located in coding exon 12 of the LZTR1 gene, results from a duplication of CCGCCAG at nucleotide position 1317, causing a translational frameshift with a predicted alternate stop codon (p.F442Pfs*12). This variant is considered to be rare based on population cohorts in the Genome Aggregation Database (gnomAD). This alteration is expected to result in loss of function by premature protein truncation or nonsense-mediated mRNA decay. Loss-of-function variants in LZTR1 are related to an increased risk for schwannomas and autosomal recessive Noonan syndrome; however, such associations with autosomal dominant Noonan syndrome have not been observed (Piotrowski A et al. Nat Genet. 2014 Feb;46:182-7; Yamamoto GL et al. J Med Genet. 2015 Jun;52:413-21; Johnston JJ et al. Genet Med. 2018 10;20:1175-1185). Based on the supporting evidence, this variant is pathogenic for an increased risk of LZTR1-related schwannomatosis (SWN) and would be expected to cause autosomal recessive Noonan syndrome when present along with a second pathogenic or likely pathogenic variant on the other allele; however, the association of this alteration with autosomal dominant Noonan syndrome is unlikely.

GeneDx
Classification: Likely pathogenic. Last evaluated: 2019-07-11. Review status: criteria provided, single submitter. Criteria: GeneDx Variant Classification Process June 2021. Collection method: clinical testing. Allele origin: germline. Affected: yes.
Comment: Frameshift variant predicted to result in protein truncation or nonsense mediated decay in a gene for which loss-of-function is a known mechanism of disease; Not observed in large population cohorts (Lek et al., 2016); Has not been previously published as pathogenic or benign to our knowledge

Literature cited by the submitters: PubMed 24362817 (cited by Labcorp Genetics (formerly Invitae), Labcorp); PubMed 25335493 (cited by Labcorp Genetics (formerly Invitae), Labcorp); PubMed 25480913 (cited by Labcorp Genetics (formerly Invitae), Labcorp); PubMed 25795793 (cited by Labcorp Genetics (formerly Invitae), Labcorp); PubMed 29469822 (cited by Labcorp Genetics (formerly Invitae), Labcorp); PubMed 30368668 (cited by Labcorp Genetics (formerly Invitae), Labcorp); PubMed 30442762 (cited by Labcorp Genetics (formerly Invitae), Labcorp); PubMed 30442766 (cited by Labcorp Genetics (formerly Invitae), Labcorp); PubMed 30481304 (cited by Labcorp Genetics (formerly Invitae), Labcorp); PubMed 30859559 (cited by Labcorp Genetics (formerly Invitae), Labcorp).